The following is an entry in ClinVar:

NM_000071.3(CBS):c.209+1del

Gene: CBS (cystathionine beta-synthase; minus strand). Cytogenetic location: 21q22.3.
Variant type: Deletion.
Coding change: c.209+1del on transcript NM_000071.3 (MANE Select); the canonical splice donor site of the intron after coding-DNA position 209, one base deleted (G; older notation c.209+1delG).
Molecular consequence: splice donor variant.
Genome position (GRCh38, 1-based): chr21:43,071,984, C deleted on the plus strand (G on the coding strand, the reverse complement: CBS is on the minus strand). VCF-style (leftmost placement, unchanged base first): chr21-43071983-AC-A. GRCh37 (hg19) VCF-style: chr21-44492093-AC-A.
Other names: c.209+1del (NM_000071.2, NM_001320298.2, NM_001178009.3 and 1 more transcripts).
Identifiers: ClinVar variation 3704493 (VCV003704493.3).

ClinVar aggregate classification (germline): Pathogenic. Review status: criteria provided, multiple submitters, no conflicts (2 of 4 stars). 2 submissions from 2 submitters: Pathogenic (2). Last evaluated 2024-07-25.

Conditions:
HYPERHOMOCYSTEINEMIA, THROMBOTIC, CBS-RELATED. Identifiers: MedGen C3150344, OMIM 236200.
Classic homocystinuria. Also called: HOMOCYSTINURIA WITH OR WITHOUT RESPONSE TO PYRIDOXINE; Homocystinuria due to Cystathionine Beta-Synthase Deficiency; Homocystinuria due to CBS deficiency; Cystathionine beta-synthase deficiency; CBS deficiency. Identifiers: Orphanet 394, MedGen C0751202, MONDO:0009352, OMIM 236200.

Submissions (2):

Natera, Inc.
Classification: Pathogenic for Homocystinuria due to cystathionine beta-synthase deficiency. Last evaluated: 2024-07-25. Review status: criteria provided, single submitter. Criteria: Natera Variant Classification Schema (03/2026). Collection method: clinical testing. Allele origin: germline.
Comment: The c.209+1del variant in CBS is a canonical splice donor site variant predicted to affect pre-mRNA splicing, which may result in an abnormal transcript and altered protein product. This variant is expected to result in nonsense mediated decay, truncation, or a dysfunctional protein product. This variant is rare in the general population with a frequency below the threshold expected for the associated phenotype(s). This variant has been observed in one or more individuals affected with the associated recessive disease, as either homozygous or compound heterozygous with a second variant (PMID: 33335839, 29352562). Another variant at this same site results in an alteration predicted to cause a similar molecular effect has been observed in individual(s) with the associated phenotype. Given the available evidence, this variant is classified as Pathogenic.

Labcorp Genetics (formerly Invitae), Labcorp
Classification: Pathogenic for HYPERHOMOCYSTEINEMIA, THROMBOTIC, CBS-RELATED. Last evaluated: 2024-02-16. Review status: criteria provided, single submitter. Criteria: Invitae Variant Classification Sherloc (09022015). Collection method: clinical testing. Allele origin: germline.
Comment: This sequence change affects a splice site in intron 3 of the CBS gene. It is expected to disrupt RNA splicing. Variants that disrupt the donor or acceptor splice site typically lead to a loss of protein function (PMID: 16199547), and loss-of-function variants in CBS are known to be pathogenic (PMID: 10338090, 12124992). This variant is not present in population databases (gnomAD no frequency). Disruption of this splice site has been observed in individual(s) with homocystinuria (PMID: 29352562). Studies have shown that disruption of this splice site alters CBS gene expression (PMID: 29352562). Algorithms developed to predict the effect of sequence changes on RNA splicing suggest that this variant may disrupt the consensus splice site. For these reasons, this variant has been classified as Pathogenic.

Literature cited by the submitters: PubMed 33335839 (cited by Natera, Inc.); PubMed 29352562 (cited by Natera, Inc. and Labcorp Genetics (formerly Invitae), Labcorp); PubMed 16199547 (cited by Labcorp Genetics (formerly Invitae), Labcorp); PubMed 10338090 (cited by Labcorp Genetics (formerly Invitae), Labcorp); PubMed 12124992 (cited by Labcorp Genetics (formerly Invitae), Labcorp).